The following is an entry in ClinVar:

ClinVar aggregate classification (germline): Uncertain significance (1 of 4 stars; one submission).

Conditions:
Alpha-N-acetylgalactosaminidase deficiency type 1. Also called: NAGA DEFICIENCY, TYPE I; NEUROAXONAL DYSTROPHY, SCHINDLER TYPE; SCHINDLER DISEASE, TYPE I; ALPHA-N-ACETYLGALACTOSAMINIDASE DEFICIENCY, TYPE I. Identifiers: Orphanet 3137, Orphanet 79279, Orphanet 79281, MedGen C1836544, MONDO:0012221, OMIM 609241.

Allele frequency attached by ClinVar (database versions not stated): gnomAD exomes below 0.00001.

Submission:

Labcorp Genetics (formerly Invitae), Labcorp
Classification: Uncertain significance for Alpha-N-acetylgalactosaminidase deficiency type 1. Last evaluated: 2021-09-01. Review status: criteria provided, single submitter. Criteria: Invitae Variant Classification Sherloc (09022015). Collection method: clinical testing. Allele origin: germline.
Comment: This sequence change replaces alanine with valine at codon 278 of the NAGA protein (p.Ala278Val). The alanine residue is highly conserved and there is a small physicochemical difference between alanine and valine. This variant is not present in population databases (ExAC no frequency). This variant has not been reported in the literature in individuals affected with NAGA-related conditions. Algorithms developed to predict the effect of missense changes on protein structure and function (SIFT, PolyPhen-2, Align-GVGD) all suggest that this variant is likely to be disruptive. In summary, the available evidence is currently insufficient to determine the role of this variant in disease. Therefore, it has been classified as a Variant of Uncertain Significance.

NM_000262.3(NAGA):c.833C>T (p.Ala278Val)

Gene: NAGA (alpha-N-acetylgalactosaminidase; minus strand). Cytogenetic location: 22q13.2.
Variant type: single nucleotide variant.
Coding change: c.833C>T on transcript NM_000262.3 (MANE Select); coding-DNA position 833, C replaced by T.
Protein change: p.Ala278Val; replaces alanine 278 with valine.
Molecular consequence: missense variant.
Genome position (GRCh38, 1-based): chr22:42,062,951, G>A on the plus strand (C>T on the coding strand, the complement: NAGA is on the minus strand). VCF-style: chr22-42062951-G-A. GRCh37 (hg19) VCF-style: chr22-42458955-G-A.
Other names: c.833C>T, p.Ala278Val (NM_001362848.1, NM_001362850.1); short protein forms A278V.
Identifiers: ClinVar variation 840249 (VCV000840249.7), dbSNP rs762474603, ClinGen allele CA411767347.
Genomic context (GRCh38, chr22:42,062,951, plus strand): 5'-TGCAGAATGTCCATGTTCTGGGCGGAGATGGTACGCAGGTCTGTGGACATCAAGAGGGGG[G>A]CTGCCAGCACCGTCCACAGGGCCATCTGGGCCCGGGATTGCTCTAAGCTGAGACCAAAGT-3'
Protein context (NP_000253.1, residues 268-288): AQMALWTVLA[Ala278Val]PLLMSTDLRT